The following is an entry in ClinVar:

ClinVar aggregate classification (germline): Benign/Likely benign. Review status: criteria provided, multiple submitters, no conflicts (2 of 4 stars). 3 submissions from 3 submitters: Benign (1); Likely benign (2). Last evaluated 2024-06-26.

Conditions:
Hereditary cancer-predisposing syndrome. Also called: Neoplastic Syndromes, Hereditary; Tumor predisposition; Hereditary Cancer Syndrome; Hereditary neoplastic syndrome. Identifiers: Orphanet 140162, MedGen C0027672, MeSH D009386, MONDO:0015356.
Oligodontia-cancer predisposition syndrome. Also called: TOOTH AGENESIS-COLORECTAL CANCER SYNDROME. Identifiers: Orphanet 300576, MedGen C1837750, MONDO:0012075, OMIM 608615. Disease mechanism: loss of function.

Allele frequency attached by ClinVar (database versions not stated): gnomAD exomes below 0.00001; TOPMed below 0.00001; gnomAD 0.00001.
gnomAD v4.1: 2 of 1,613,958 alleles (0.00012%); highest among the groups gnomAD compares: African/African-American, 0.0013%; no homozygotes.

Submissions (3):

Myriad Genetics, Inc.
Classification: Benign for Oligodontia-cancer predisposition syndrome. Last evaluated: 2024-06-26. Review status: criteria provided, single submitter. Criteria: Myriad Autosomal Dominant, Autosomal Recessive and X-Linked Classification Criteria (2023). Collection method: clinical testing. Allele origin: unknown.
Comment: This variant is considered benign. This variant is a silent/synonymous amino acid change and it is not expected to impact splicing.

Ambry Genetics
Classification: Likely benign for Hereditary cancer-predisposing syndrome. Last evaluated: 2024-03-09. Review status: criteria provided, single submitter. Criteria: Ambry Variant Classification Scheme 2023. Collection method: clinical testing. Allele origin: germline.

Labcorp Genetics (formerly Invitae), Labcorp
Classification: Likely benign for Oligodontia-cancer predisposition syndrome. Last evaluated: 2023-05-25. Review status: criteria provided, single submitter. Criteria: Invitae Variant Classification Sherloc (09022015). Collection method: clinical testing. Allele origin: germline.

NM_004655.4(AXIN2):c.411G>A (p.Arg137=)

Gene: AXIN2 (axin 2; minus strand). Cytogenetic location: 17q24.1.
Variant type: single nucleotide variant.
Coding change: c.411G>A on transcript NM_004655.4 (MANE Select); coding-DNA position 411, G replaced by A.
Protein change: p.Arg137=; no amino-acid change (arginine 137 retained).
Molecular consequence: synonymous variant.
Genome position (GRCh38, 1-based): chr17:65,558,210, C>T on the plus strand (G>A on the coding strand, the complement: AXIN2 is on the minus strand). VCF-style: chr17-65558210-C-T. GRCh37 (hg19) VCF-style: chr17-63554328-C-T.
Other names: c.411G>A, p.Arg137= (NM_001363813.1).
Identifiers: ClinVar variation 2916625 (VCV002916625.5), dbSNP rs1293302547, ClinGen allele CA501691797.